The following is an entry in ClinVar:

NM_144508.5(KNL1):c.1491A>G (p.Gln497=)

Gene: KNL1 (kinetochore scaffold 1; plus strand). Cytogenetic location: 15q15.1.
Variant type: single nucleotide variant.
Coding change: c.1491A>G on transcript NM_144508.5 (MANE Select); coding-DNA position 1491, A replaced by G.
Protein change: p.Gln497=; no amino-acid change (glutamine 497 retained).
Molecular consequence: synonymous variant.
Genome position (GRCh38, 1-based): chr15:40,621,755, A>G. VCF-style: chr15-40621755-A-G. GRCh37 (hg19) VCF-style: chr15-40913953-A-G.
Other names: c.1569A>G, p.Gln523= (NM_170589.5).
Identifiers: ClinVar variation 2645178 (VCV002645178.24), dbSNP rs373306816, ClinGen allele CA7482679.

ClinVar aggregate classification (germline): Likely benign (1 of 4 stars; one submission).

Allele frequency attached by ClinVar (database versions not stated): ESP Exome Variant Server 0.00017.
gnomAD v4.1: 105 of 1,613,794 alleles (0.0065%); highest among the groups gnomAD compares: South Asian, 0.021%; no homozygotes.

Submission:

CeGaT Center for Human Genetics Tuebingen
Classification: Likely benign. Last evaluated: 2023-01-01. Review status: criteria provided, single submitter. Criteria: CeGaT Center For Human Genetics Tuebingen Variant Classification Criteria Version 2. Collection method: clinical testing. Allele origin: germline. Affected: yes. Observed: 3 variant alleles.
Comment: KNL1: BP4, BP7